The following is an entry in ClinVar:

ClinVar aggregate classification (germline): Uncertain significance (1 of 4 stars; one submission).

Conditions:
Long QT syndrome (LQTS). Identifiers: MedGen C0023976, MeSH D008133, MONDO:0002442. Disease mechanism: loss of function. Inheritance: Various modes of inheritance.

Allele frequency attached by ClinVar (database versions not stated): gnomAD exomes below 0.00001; TOPMed below 0.00001; gnomAD 0.00001.

Submission:

Labcorp Genetics (formerly Invitae), Labcorp
Classification: Uncertain significance for Long QT syndrome. Last evaluated: 2025-12-03. Review status: criteria provided, single submitter. Criteria: Invitae Variant Classification Sherloc (09022015). Collection method: clinical testing. Allele origin: germline.
Comment: This sequence change replaces arginine, which is basic and polar, with histidine, which is basic and polar, at codon 326 of the KCNH2 protein (p.Arg326His). This variant is present in population databases (no rsID available, gnomAD 0.007%). This variant has not been reported in the literature in individuals affected with KCNH2-related conditions. ClinVar contains an entry for this variant (Variation ID: 649300). An algorithm developed to predict the effect of missense changes on protein structure and function (PolyPhen-2) suggests that this variant is likely to be disruptive. In summary, the available evidence is currently insufficient to determine the role of this variant in disease. Therefore, it has been classified as a Variant of Uncertain Significance.

NM_000238.4(KCNH2):c.977G>A (p.Arg326His)

Gene: KCNH2 (potassium voltage-gated channel subfamily H member 2; minus strand). Cytogenetic location: 7q36.1.
Variant type: single nucleotide variant.
Coding change: c.977G>A on transcript NM_000238.4 (MANE Select); coding-DNA position 977, G replaced by A.
Protein change: p.Arg326His; replaces arginine 326 with histidine.
Molecular consequence: missense variant.
Genome position (GRCh38, 1-based): chr7:150,957,442, C>T on the plus strand (G>A on the coding strand, the complement: KCNH2 is on the minus strand). VCF-style: chr7-150957442-C-T. GRCh37 (hg19) VCF-style: chr7-150654530-C-T.
Other names: c.689G>A, p.Arg230His (NM_001406753.1, NM_001406756.1); c.800G>A, p.Arg267His (NM_001406755.1); c.677G>A, p.Arg226His (NM_001406757.1); c.977G>A, p.Arg326His (NM_172056.3); short protein forms R326H, R230H, R226H, R267H.
Identifiers: ClinVar variation 649300 (VCV000649300.9), dbSNP rs1187921286, ClinGen allele CA369861738.